The following is an entry in ClinVar:

ClinVar aggregate classification (germline): Conflicting classifications of pathogenicity. Review status: criteria provided, conflicting classifications (1 of 4 stars). 9 submissions from 9 submitters: Uncertain significance (6); Likely benign (2). 1 of the submissions does not count toward it. Last evaluated 2026-06-08.

Conditions:
Obesity due to SIM1 deficiency. Identifiers: Orphanet 369873, MedGen C5191050, MONDO:0018244.
SIM1-related disorder. Also called: SIM1-related condition; SIM1-related disorders.
Monogenic diabetes. Identifiers: Orphanet 183625, MedGen C3888631, MONDO:0015967.
Inborn genetic diseases. Identifiers: MedGen C0950123, MeSH D030342.
Oromandibular-limb hypogenesis spectrum (MBS). Also called: MOEBIUS SEQUENCE; Absence or underdevelopment of the 6th and 7th cranial nerves; Congenital facial diplegia syndrome; Congenital oculofacial paralysis; Möbius Syndrome. Identifiers: Orphanet 570, MedGen C0221060, MONDO:0008006, OMIM 157900.

Allele frequency attached by ClinVar (database versions not stated): gnomAD exomes 0.00052 and 0.00115; ExAC 0.00055; gnomAD 0.00058; TOPMed 0.00058; ESP Exome Variant Server 0.00069.
gnomAD v4.1: 1,767 of 1,614,118 alleles (0.11%); highest among the groups gnomAD compares: Non-Finnish European, 0.14%; 3 homozygotes.

Submissions (9):

PreventionGenetics, part of Exact Sciences
Classification: Uncertain significance for SIM1-related condition. Last evaluated: 2026-06-08. Review status: criteria provided, single submitter. Criteria: ACMG Guidelines, 2015. Collection method: clinical testing. Allele origin: germline.
Comment: The SIM1 c.2119G>C variant is predicted to result in the amino acid substitution p.Asp707His. This variant has been reported to be associated with severe obesity with incomplete penetrance based on its occurrence in seven affected subjects from four unique families. However, it was also detected in four control individuals (Table S1, Ramachandrappa et al. 2013. PubMed ID: 23778139). In another study, the p.Asp707His variant was also described in one individual with obesity (Swarbrick et al. 2011. PubMed ID: 21512513). In addition, the ability of the SIM1 transcription factor to drive expression of a reporter transgene was decreased to less than 60% of wild type in cells harboring the p.Asp707His variant (Ramachandrappa et al. 2013. PubMed ID: 23778139). However, this variant is reported in 0.095% of alleles in individuals of European (Non-Finnish) descent in gnomAD, which is more common than other known or suspected pathogenic variants in SIM1. At this time, the clinical significance is uncertain due to the absence of conclusive functional and genetic evidence.

Blueprint Genetics
Classification: Uncertain significance. Last evaluated: 2024-10-30. Review status: criteria provided, single submitter. Criteria: ACMG Guidelines, 2015. Collection method: clinical testing. Allele origin: germline.

Labcorp Genetics (formerly Invitae), Labcorp
Classification: Likely benign. Last evaluated: 2023-08-24. Review status: criteria provided, single submitter. Criteria: Invitae Variant Classification Sherloc (09022015). Collection method: clinical testing. Allele origin: germline.

Ambry Genetics
Classification: Likely benign for Inborn genetic diseases. Last evaluated: 2022-11-09. Review status: criteria provided, single submitter. Criteria: Ambry Variant Classification Scheme 2023. Collection method: clinical testing. Allele origin: germline.

GeneDx
Classification: Uncertain significance. Last evaluated: 2021-07-31. Review status: criteria provided, single submitter. Criteria: GeneDx Variant Classification Process June 2021. Collection method: clinical testing. Allele origin: germline. Affected: yes.
Comment: Reported in individuals with severe obesity, food-seeking behavior, and/or neurodevelopmental features, and was inherited from both obese and non-obese parents (Swarbick et al., 2011; Ramachandrappa et al., 2013); Published functional studies demonstrate decreased transcriptional activation (Ramachandrappa et al., 2013); In silico analysis supports that this missense variant does not alter protein structure/function; This variant is associated with the following publications: (PMID: 25234154, 21512513, 2152513, 28299356, 23778139)

Genetic Services Laboratory, University of Chicago
Classification: Uncertain significance. Last evaluated: 2018-09-04. Review status: criteria provided, single submitter. Criteria: ACMG Guidelines, 2015. Collection method: clinical testing. Allele origin: germline. Affected: no.

Personalized Diabetes Medicine Program, University of Maryland School of Medicine
Classification: Uncertain significance for Monogenic diabetes. Last evaluated: 2017-07-14. Review status: criteria provided, single submitter. Criteria: ACMG Guidelines, 2015. Collection method: research. Allele origin: unknown. Observed: 1 variant allele, 1 heterozygote.
Comment: ACMG criteria: PP3 (5 predictors), BP4 (5 predictors); ClinVar with conflicting evidence (Montreal calls LB, GeneDx calls VUS); PS3 (reduced transcriptional activation PMID: 23778139)=VUS

Illumina Laboratory Services, Illumina
Classification: Uncertain significance for Obesity due to SIM1 deficiency. Last evaluated: 2017-04-27. Review status: criteria provided, single submitter. Criteria: ICSL Variant Classification Criteria 13 December 2019. Collection method: clinical testing. Allele origin: germline.
Comment: This variant was observed as part of a predisposition screen in an ostensibly healthy population. A literature search was performed for the gene, cDNA change, and amino acid change (where applicable). Publications were found based on this search. However, the evidence from the literature, in combination with allele frequency data from public databases where available, was not sufficient to rule this variant in or out of causing disease. Therefore, this variant is classified as a variant of unknown significance.

CHU Sainte-Justine Research Center, University of Montreal
Classification: Likely benign for Oromandibular-limb hypogenesis spectrum. Last evaluated: 2016-08-12. Review status: no assertion criteria provided. Collection method: research. Allele origin: inherited. Affected: yes. Not counted in ClinVar's aggregate classification.

Literature cited by the submitters: PubMed 23778139 (cited by Personalized Diabetes Medicine Program, University of Maryland School of Medicine and Illumina Laboratory Services, Illumina); PubMed 2152513 (cited by Illumina Laboratory Services, Illumina); PubMed 25234154 (cited by Illumina Laboratory Services, Illumina).

NM_005068.3(SIM1):c.2119G>C (p.Asp707His)

Gene: SIM1 (SIM bHLH transcription factor 1; minus strand). Cytogenetic location: 6q16.3.
Variant type: single nucleotide variant.
Coding change: c.2119G>C on transcript NM_005068.3 (MANE Select); coding-DNA position 2119, G replaced by C.
Protein change: p.Asp707His; replaces aspartic acid 707 with histidine.
Molecular consequence: missense variant.
Genome position (GRCh38, 1-based): chr6:100,390,543, C>G on the plus strand (G>C on the coding strand, the complement: SIM1 is on the minus strand). VCF-style: chr6-100390543-C-G. GRCh37 (hg19) VCF-style: chr6-100838419-C-G.
Other names: c.2119G>C, p.Asp707His (NM_001374769.1); short protein forms D707H.
Identifiers: ClinVar variation 254101 (VCV000254101.22), dbSNP rs74726213, ClinGen allele CA3936871.